The following is an entry in ClinVar:

NM_004958.4(MTOR):c.1226-4T>C

Gene: MTOR (mechanistic target of rapamycin kinase; minus strand). Cytogenetic location: 1p36.22.
Variant type: single nucleotide variant.
Coding change: c.1226-4T>C on transcript NM_004958.4 (MANE Select); 4 bases into the intron before coding-DNA position 1226, T replaced by C.
Molecular consequence: intron variant.
Genome position (GRCh38, 1-based): chr1:11,243,304, A>G on the plus strand (T>C on the coding strand, the complement: MTOR is on the minus strand). VCF-style: chr1-11243304-A-G. GRCh37 (hg19) VCF-style: chr1-11303361-A-G.
Identifiers: ClinVar variation 799930 (VCV000799930.25), dbSNP rs201362425, ClinGen allele CA590771.

ClinVar aggregate classification (germline): Likely benign. Review status: criteria provided, multiple submitters, no conflicts (2 of 4 stars). 3 submissions from 3 submitters: Likely benign (3). Last evaluated 2025-11-04.

Conditions:
MTOR-related disorder. Also called: MTOR-related condition.

Allele frequency attached by ClinVar (database versions not stated): gnomAD 0.00001; gnomAD exomes 0.00001; ExAC 0.00002; TOPMed 0.00002; 1000 Genomes Project 30x 0.00016; 1000 Genomes Project 0.00020.
gnomAD v4.1: 13 of 1,613,332 alleles (0.00081%); highest among the groups gnomAD compares: East Asian, 0.016%; no homozygotes.

Submissions (3):

PreventionGenetics, part of Exact Sciences
Classification: Likely benign for MTOR-related condition. Last evaluated: 2025-11-04. Review status: criteria provided, single submitter. Criteria: ACMG Guidelines, 2015. Collection method: clinical testing. Allele origin: germline.
Comment: This variant is classified as likely benign based on ACMG/AMP sequence variant interpretation guidelines (Richards et al. 2015 PMID: 25741868, with internal and published modifications).

Labcorp Genetics (formerly Invitae), Labcorp
Classification: Likely benign. Last evaluated: 2025-03-11. Review status: criteria provided, single submitter. Criteria: Invitae Variant Classification Sherloc (09022015). Collection method: clinical testing. Allele origin: germline.

CeGaT Center for Human Genetics Tuebingen
Classification: Likely benign. Last evaluated: 2024-12-01. Review status: criteria provided, single submitter. Criteria: CeGaT Center For Human Genetics Tuebingen Variant Classification Criteria Version 2. Collection method: clinical testing. Allele origin: germline. Affected: yes. Observed: 1 variant allele.
Comment: MTOR: BP4